The following is an entry in ClinVar:

NM_024577.4(SH3TC2):c.1921C>T (p.Arg641Cys)

Gene: SH3TC2 (SH3 domain and tetratricopeptide repeats 2; minus strand). Cytogenetic location: 5q32.
Variant type: single nucleotide variant.
Coding change: c.1921C>T on transcript NM_024577.4 (MANE Select); coding-DNA position 1921, C replaced by T.
Protein change: p.Arg641Cys; replaces arginine 641 with cysteine.
Molecular consequence: missense variant.
Genome position (GRCh38, 1-based): chr5:149,027,811, G>A on the plus strand (C>T on the coding strand, the complement: SH3TC2 is on the minus strand). VCF-style: chr5-149027811-G-A. GRCh37 (hg19) VCF-style: chr5-148407374-G-A.
Other names: short protein forms R641C.
Identifiers: ClinVar variation 1000680 (VCV001000680.11), dbSNP rs752002618, ClinGen allele CA3499093.

ClinVar aggregate classification (germline): Conflicting classifications of pathogenicity. Review status: criteria provided, conflicting classifications (1 of 4 stars). 3 submissions from 3 submitters: Uncertain significance (1); VUS-low (1); Likely benign (1). Last evaluated 2026-01-31.

Conditions:
Charcot-Marie-Tooth disease type 4. Also called: Charcot-Marie-Tooth disease, type IV; Charcot-Marie-Tooth, Type 4. Identifiers: Orphanet 64749, MedGen C4082197, MONDO:0018995.
Inborn genetic diseases. Identifiers: MedGen C0950123, MeSH D030342.
Charcot-Marie-Tooth disease type 4C (CMT4C). Also called: CHARCOT-MARIE-TOOTH DISEASE, DEMYELINATING, TYPE 4C; CMT 4C; SH3TC2-Related Hereditary Motor and Sensory Neuropathy; CHARCOT-MARIE-TOOTH DISEASE, DEMYELINATING, AUTOSOMAL RECESSIVE, TYPE 4C; Charcot-Marie-Tooth Neuropathy Type 4C (CMT4C). Identifiers: Orphanet 99949, MedGen C1866636, MONDO:0011113, OMIM 601596.

Allele frequency attached by ClinVar (database versions not stated): ExAC 0.00003; gnomAD exomes 0.00003; gnomAD 0.00005 and 0.00006; TOPMed 0.00005.
gnomAD v4.1: 53 of 1,613,818 alleles (0.0033%); highest among the groups gnomAD compares: African/African-American, 0.004%; no homozygotes.

Submissions (3):

Genetic Diseases Diagnostic Center, Koc University Hospital
Classification: VUS-low for Charcot-Marie-Tooth disease type 4C. Last evaluated: 2026-01-31. Review status: criteria provided, single submitter. Criteria: ACMG Guidelines, 2015. Collection method: clinical testing. Allele origin: paternal. Inheritance: Autosomal unknown. Affected: yes.
Comment: This variant causes an amino acid change at position 641 from Arg, which is a basic amino acid, to Cys which is a polar amino acid. In silico prediction tools predict conflicting results. However, it has an extremely low frequency with a gnomAD maximal non founder subpopulations frequency of 0.012% (PM2). To the best of our knowledge, this variant has not been reported in affected patients in the literature. Thus, it is classified as variant of uncertain significance according to the ACMG/AMP criteria.

Labcorp Genetics (formerly Invitae), Labcorp
Classification: Likely benign for Charcot-Marie-Tooth disease type 4. Last evaluated: 2024-11-11. Review status: criteria provided, single submitter. Criteria: Invitae Variant Classification Sherloc (09022015). Collection method: clinical testing. Allele origin: germline.

Ambry Genetics
Classification: Uncertain significance for Inborn genetic diseases. Last evaluated: 2019-11-07. Review status: criteria provided, single submitter. Criteria: Ambry Variant Classification Scheme 2023. Collection method: clinical testing. Allele origin: germline.
Comment: The p.R641C variant (also known as c.1921C>T), located in coding exon 11 of the SH3TC2 gene, results from a C to T substitution at nucleotide position 1921. The arginine at codon 641 is replaced by cysteine, an amino acid with highly dissimilar properties. This amino acid position is not well conserved in available vertebrate species. In addition, the in silico prediction for this alteration is inconclusive. Since supporting evidence is limited at this time, the clinical significance of this alteration remains unclear.